The following is an entry in ClinVar:

ClinVar aggregate classification (germline): Pathogenic (1 of 4 stars; one submission).

Submission:

ISCA site 4
Classification: Pathogenic. Last evaluated: 2011-08-12. Review status: criteria provided, single submitter. Criteria: Kaminsky et al. (Genet Med. 2011). Collection method: clinical testing. Allele origin: unknown. Affected: yes. Observed: 1 variant allele.
Comment: Copy number variation identified through the course of routine clinical cytogenomic testing in postnatal populations. Clinical assertions have been curated as described in Kaminsky et al. 2011.

GRCh38/hg38 2q37.3(chr2:237643996-242126245)x1

Genes: AQP12A (aquaporin 12A; plus strand), CROCC2 (ciliary rootlet coiled-coil, rootletin family member 2; plus strand), D2HGDH (D-2-hydroxyglutarate dehydrogenase; plus strand), GAL3ST2 (galactose-3-O-sulfotransferase 2; plus strand), GPC1 (glypican 1; plus strand) and 247 more. Cytogenetic location: 2q37.3.
Variant type: copy number loss.
Change: copy number 1 (one copy instead of two) of chr2:237,643,996-242,126,245 (4.48 Mb, GRCh38 coordinates, 1-based), cytogenetic band 2q37.3.
Identifiers: ClinVar variation 57432 (VCV000057432.1).